The following is an entry in ClinVar:

NM_001369.3(DNAH5):c.11765delinsAT (p.Gly3922fs)

Gene: DNAH5 (dynein axonemal heavy chain 5; minus strand). Cytogenetic location: 5p15.2.
Variant type: Indel.
Coding change: c.11765delinsAT on transcript NM_001369.3 (MANE Select); coding-DNA position 11765, G replaced by AT.
Protein change: p.Gly3922fs; shifts the reading frame from glycine 3922.
Molecular consequence: frameshift variant.
Genome position (GRCh38, 1-based): chr5:13,729,557, C replaced by AT on the plus strand (G replaced by AT on the coding strand, the reverse complement: DNAH5 is on the minus strand). VCF-style: chr5-13729557-C-AT. GRCh37 (hg19) VCF-style: chr5-13729666-C-AT.
Other names: short protein forms G3922fs.
Identifiers: ClinVar variation 5015094 (VCV005015094.1).
Genomic context (GRCh38, chr5:13,729,557, plus strand): 5'-GTTATGTCCAGGATCCATTTTGATGGTTTTGGAGGACAAGCTTTAAGGTCTAATGAGGCA[C>AT]CTCCTTTAAAATTAAATATTAAATTATCAGATTTCCCTTCCTTCACTATAAAACAATCTA-3'

ClinVar aggregate classification (germline): Pathogenic (1 of 4 stars; one submission).

Conditions:
Primary ciliary dyskinesia 3. Identifiers: Orphanet 244, MedGen C1837618, MONDO:0012085, OMIM 608644.

Submission:

Myriad Genetics, Inc.
Classification: Pathogenic for Primary ciliary dyskinesia 3. Last evaluated: 2025-10-15. Review status: criteria provided, single submitter. Criteria: Myriad Autosomal Dominant, Autosomal Recessive and X-Linked Classification Criteria (2023). Collection method: clinical testing. Allele origin: unknown.
Comment: NM_001369.2(DNAH5):c.11765delGinsAT(G3922Dfs*7) is expected to be pathogenic in the context of primary ciliary dyskinesia, DNAH5-related. This variant is predicted to lead to an abnormal or absent protein product due to the creation of a premature termination codon in DNAH5, a gene where loss-of-function variants are known to be pathogenic. Please note: this variant was assessed in the context of healthy population screening.